The following is an entry in ClinVar:

ClinVar aggregate classification (germline): Likely benign. Review status: criteria provided, multiple submitters, no conflicts (2 of 4 stars). 2 submissions from 2 submitters: Likely benign (2). Last evaluated 2019-04-09.

Conditions:
Werner syndrome (WRN). Identifiers: Orphanet 902, MedGen C0043119, MONDO:0010196, OMIM 277700.

Allele frequency attached by ClinVar (database versions not stated): gnomAD exomes 0.00045; gnomAD 0.00387 and 0.00413; TOPMed 0.00423; 1000 Genomes Project 0.00519; 1000 Genomes Project 30x 0.00531.
gnomAD v4.1: 782 of 599,404 alleles (0.13%); highest among the groups gnomAD compares: African/African-American, 1.4%; 10 homozygotes.

Submissions (2):

GeneDx
Classification: Likely benign. Last evaluated: 2019-04-09. Review status: criteria provided, single submitter. Criteria: GeneDx Variant Classification Process June 2021. Collection method: clinical testing. Allele origin: germline. Affected: yes.

Illumina Laboratory Services, Illumina
Classification: Likely benign for Werner syndrome. Last evaluated: 2018-01-13. Review status: criteria provided, single submitter. Criteria: ICSL Variant Classification Criteria 13 December 2019. Collection method: clinical testing. Allele origin: germline.
Comment: This variant was observed in the ICSL laboratory as part of a predisposition screen in an ostensibly healthy population. It had not been previously curated by ICSL or reported in the Human Gene Mutation Database (HGMD: prior to June 1st, 2018), and was therefore a candidate for classification through an automated scoring system. Utilizing variant allele frequency, disease prevalence and penetrance estimates, and inheritance mode, an automated score was calculated to assess if this variant is too frequent to cause the disease. Based on the score and internal cut-off values, a variant classified as likely benign is not then subjected to further curation. The score for this variant resulted in a classification of likely benign for this disease.

NM_000553.6(WRN):c.*194C>T

Gene: WRN (WRN RecQ like helicase; plus strand). Cytogenetic location: 8p12.
Variant type: single nucleotide variant.
Coding change: c.*194C>T on transcript NM_000553.6 (MANE Select); 194 bases downstream of the stop codon, C replaced by T.
Molecular consequence: 3 prime UTR variant.
Genome position (GRCh38, 1-based): chr8:31,173,296, C>T. VCF-style: chr8-31173296-C-T. GRCh37 (hg19) VCF-style: chr8-31030812-C-T.
Identifiers: ClinVar variation 362817 (VCV000362817.8), dbSNP rs11574411, ClinGen allele CA10627660.